The following is an entry in ClinVar:

ClinVar aggregate classification (germline): Uncertain significance (1 of 4 stars; one submission).

Conditions:
Hypertrophic cardiomyopathy 26. Also called: Cardiomyopathy, familial hypertrophic, 26. Identifiers: Orphanet 75249, MedGen C4310749, MONDO:0014883, OMIM 617047.
Myofibrillar myopathy 5. Also called: Filaminopathy (type); FILAMINOPATHY, AUTOSOMAL DOMINANT. Identifiers: Orphanet 171445, MedGen C1836050, MONDO:0012289, OMIM 609524.
Distal myopathy with posterior leg and anterior hand involvement. Also called: WILLIAMS DISTAL MYOPATHY. Identifiers: Orphanet 63273, MedGen C3279722, MONDO:0013550, OMIM 614065.

Submission:

Labcorp Genetics (formerly Invitae), Labcorp
Classification: Uncertain significance for Distal myopathy with posterior leg and anterior hand involvement; Myofibrillar myopathy 5; Hypertrophic cardiomyopathy 26. Last evaluated: 2024-10-05. Review status: criteria provided, single submitter. Criteria: Invitae Variant Classification Sherloc (09022015). Collection method: clinical testing. Allele origin: germline.
Comment: This sequence change replaces methionine, which is neutral and non-polar, with isoleucine, which is neutral and non-polar, at codon 940 of the FLNC protein (p.Met940Ile). This variant is not present in population databases (gnomAD no frequency). This variant has not been reported in the literature in individuals affected with FLNC-related conditions. Invitae Evidence Modeling of protein sequence and biophysical properties (such as structural, functional, and spatial information, amino acid conservation, physicochemical variation, residue mobility, and thermodynamic stability) has been performed for this missense variant. However, the output from this modeling did not meet the statistical confidence thresholds required to predict the impact of this variant on FLNC protein function. In summary, the available evidence is currently insufficient to determine the role of this variant in disease. Therefore, it has been classified as a Variant of Uncertain Significance.

NM_001458.5(FLNC):c.2820G>T (p.Met940Ile)

Gene: FLNC (filamin C; plus strand). Cytogenetic location: 7q32.1.
Variant type: single nucleotide variant.
Coding change: c.2820G>T on transcript NM_001458.5 (MANE Select); coding-DNA position 2820, G replaced by T.
Protein change: p.Met940Ile; replaces methionine 940 with isoleucine.
Molecular consequence: missense variant.
Genome position (GRCh38, 1-based): chr7:128,843,804, G>T. VCF-style: chr7-128843804-G-T. GRCh37 (hg19) VCF-style: chr7-128483858-G-T.
Other names: c.2820G>T, p.Met940Ile (NM_001127487.2); short protein forms M940I.
Identifiers: ClinVar variation 3748733 (VCV003748733.2).